The following is an entry in ClinVar:

NM_017752.3(TBC1D8B):c.1784T>C (p.Leu595Pro)

Gene: TBC1D8B (TBC1 domain family member 8B; plus strand). Cytogenetic location: Xq22.3.
Variant type: single nucleotide variant.
Coding change: c.1784T>C on transcript NM_017752.3 (MANE Select); coding-DNA position 1784, T replaced by C.
Protein change: p.Leu595Pro; replaces leucine 595 with proline.
Molecular consequence: missense variant.
Genome position (GRCh38, 1-based): chrX:106,848,250, T>C. VCF-style: chrX-106848250-T-C. GRCh37 (hg19) VCF-style: chrX-106091480-T-C.
Other names: c.1784T>C, p.Leu595Pro (NM_198881.2); short protein forms L595P.
Identifiers: ClinVar variation 2182065 (VCV002182065.4), dbSNP rs1438650886, ClinGen allele CA413807948.

ClinVar aggregate classification (germline): Uncertain significance (1 of 4 stars; one submission).

Allele frequency attached by ClinVar (database versions not stated): gnomAD 0.00004; TOPMed 0.00004.

Submission:

Labcorp Genetics (formerly Invitae), Labcorp
Classification: Uncertain significance. Last evaluated: 2025-06-12. Review status: criteria provided, single submitter. Criteria: Invitae Variant Classification Sherloc (09022015). Collection method: clinical testing. Allele origin: germline.
Comment: This sequence change replaces leucine, which is neutral and non-polar, with proline, which is neutral and non-polar, at codon 595 of the TBC1D8B protein (p.Leu595Pro). This variant is not present in population databases (gnomAD no frequency). This variant has not been reported in the literature in individuals affected with TBC1D8B-related conditions. ClinVar contains an entry for this variant (Variation ID: 2182065). An algorithm developed to predict the effect of missense changes on protein structure and function (PolyPhen-2) suggests that this variant is likely to be disruptive. In summary, the available evidence is currently insufficient to determine the role of this variant in disease. Therefore, it has been classified as a Variant of Uncertain Significance.